The following is an entry in ClinVar:

NM_000135.4(FANCA):c.3489C>G (p.Cys1163Trp)

Gene: FANCA (FA complementation group A; minus strand). Cytogenetic location: 16q24.3.
Variant type: single nucleotide variant.
Coding change: c.3489C>G on transcript NM_000135.4 (MANE Select); coding-DNA position 3489, C replaced by G.
Protein change: p.Cys1163Trp; replaces cysteine 1163 with tryptophan.
Molecular consequence: missense variant.
Genome position (GRCh38, 1-based): chr16:89,746,608, G>C on the plus strand (C>G on the coding strand, the complement: FANCA is on the minus strand). VCF-style: chr16-89746608-G-C. GRCh37 (hg19) VCF-style: chr16-89813016-G-C.
Other names: c.3489C>G, p.Cys1163Trp (NM_001286167.3); short protein forms C1163W.
Identifiers: ClinVar variation 4254248 (VCV004254248.1).

ClinVar aggregate classification (germline): Uncertain significance (1 of 4 stars; one submission).

Conditions:
Inborn genetic diseases. Identifiers: MedGen C0950123, MeSH D030342.

Submission:

Ambry Genetics
Classification: Uncertain significance for Inborn genetic diseases. Last evaluated: 2025-08-02. Review status: criteria provided, single submitter. Criteria: Ambry Variant Classification Scheme 2023. Collection method: clinical testing. Allele origin: germline.
Comment: The p.C1163W variant (also known as c.3489C>G), located in coding exon 35 of the FANCA gene, results from a C to G substitution at nucleotide position 3489. The cysteine at codon 1163 is replaced by tryptophan, an amino acid with highly dissimilar properties. This amino acid position is conserved. In addition, this alteration is predicted to be deleterious by in silico analysis. Based on the available evidence, the clinical significance of this variant remains unclear.